The following is an entry in ClinVar:

ClinVar aggregate classification (germline): Uncertain significance (1 of 4 stars; one submission).

Submission:

Labcorp Genetics (formerly Invitae), Labcorp
Classification: Uncertain significance. Last evaluated: 2025-06-17. Review status: criteria provided, single submitter. Criteria: Invitae Variant Classification Sherloc (09022015). Collection method: clinical testing. Allele origin: germline.
Comment: This sequence change replaces histidine, which is basic and polar, with asparagine, which is neutral and polar, at codon 807 of the ALPK1 protein (p.His807Asn). This variant is not present in population databases (gnomAD no frequency). This variant has not been reported in the literature in individuals affected with ALPK1-related conditions. Invitae Evidence Modeling of protein sequence and biophysical properties (such as structural, functional, and spatial information, amino acid conservation, physicochemical variation, residue mobility, and thermodynamic stability) indicates that this missense variant is not expected to disrupt ALPK1 protein function with a negative predictive value of 80%. In summary, the available evidence is currently insufficient to determine the role of this variant in disease. Therefore, it has been classified as a Variant of Uncertain Significance.

NM_025144.4(ALPK1):c.2419C>A (p.His807Asn)

Gene: ALPK1 (alpha kinase 1; plus strand). Cytogenetic location: 4q25.
Variant type: single nucleotide variant.
Coding change: c.2419C>A on transcript NM_025144.4 (MANE Select); coding-DNA position 2419, C replaced by A.
Protein change: p.His807Asn; replaces histidine 807 with asparagine.
Molecular consequence: missense variant.
Genome position (GRCh38, 1-based): chr4:112,431,966, C>A. VCF-style: chr4-112431966-C-A. GRCh37 (hg19) VCF-style: chr4-113353122-C-A.
Other names: c.2419C>A, p.His807Asn (NM_001102406.2); c.2185C>A, p.His729Asn (NM_001253884.2); short protein forms H729N, H807N.
Identifiers: ClinVar variation 4702592 (VCV004702592.1).